The following is an entry in ClinVar:

ClinVar aggregate classification (germline): Likely pathogenic (1 of 4 stars; one submission).

Conditions:
Familial dysautonomia. Also called: HSAN III; FD. Identifiers: Orphanet 1764, MedGen C0013364, MONDO:0009131, OMIM 223900. Disease mechanism: loss of function.

Submission:

Natera, Inc.
Classification: Likely pathogenic for Familial dysautonomia. Last evaluated: 2025-02-10. Review status: criteria provided, single submitter. Criteria: Natera Variant Classification Schema (03/2026). Collection method: clinical testing. Allele origin: germline.
Comment: The c.3160+1G>C variant in ELP1 is a canonical splice donor site variant predicted to affect pre-mRNA splicing, which may result in an abnormal transcript and altered protein product. This variant is expected to result in nonsense mediated decay, truncation, or a dysfunctional protein product. This variant is rare in the general population with a frequency below the threshold expected for the associated phenotype(s). Given the available evidence, this variant is classified as Likely Pathogenic.

NM_003640.5(ELP1):c.3160+1G>C

Gene: ELP1 (elongator acetyltransferase complex subunit 1; minus strand). Cytogenetic location: 9q31.3.
Variant type: single nucleotide variant.
Coding change: c.3160+1G>C on transcript NM_003640.5 (MANE Select); the canonical splice donor site of the intron after coding-DNA position 3160, G replaced by C.
Molecular consequence: splice donor variant.
Genome position (GRCh38, 1-based): chr9:108,891,202, C>G on the plus strand (G>C on the coding strand, the complement: ELP1 is on the minus strand). VCF-style: chr9-108891202-C-G. GRCh37 (hg19) VCF-style: chr9-111653482-C-G.
Other names: c.2818+1G>C (NM_001318360.2); c.2113+1G>C (NM_001330749.2).
Identifiers: ClinVar variation 4815220 (VCV004815220.1).